The following is an entry in ClinVar:

ClinVar aggregate classification (germline): Pathogenic (1 of 4 stars; one submission).

Allele frequency attached by ClinVar (database versions not stated): TOPMed below 0.00001.

Submission:

Labcorp Genetics (formerly Invitae), Labcorp
Classification: Pathogenic. Last evaluated: 2023-09-06. Review status: criteria provided, single submitter. Criteria: Invitae Variant Classification Sherloc (09022015). Collection method: clinical testing. Allele origin: germline.
Comment: For these reasons, this variant has been classified as Pathogenic. This variant has not been reported in the literature in individuals affected with TTC37-related conditions. This variant is not present in population databases (gnomAD no frequency). This sequence change creates a premature translational stop signal (p.Ser1377*) in the TTC37 gene. It is expected to result in an absent or disrupted protein product. Loss-of-function variants in TTC37 are known to be pathogenic (PMID: 20176027, 21120949).

Literature cited by the submitters: PubMed 20176027; PubMed 21120949.

NM_014639.4(SKIC3):c.4130C>G (p.Ser1377Ter)

Gene: SKIC3 (SKI3 subunit of superkiller complex; minus strand). Cytogenetic location: 5q15.
Variant type: single nucleotide variant.
Coding change: c.4130C>G on transcript NM_014639.4 (MANE Select); coding-DNA position 4130, C replaced by G.
Protein change: p.Ser1377Ter; replaces serine 1377 with a stop codon.
Molecular consequence: nonsense.
Genome position (GRCh38, 1-based): chr5:95,482,555, G>C on the plus strand (C>G on the coding strand, the complement: SKIC3 is on the minus strand). VCF-style: chr5-95482555-G-C. GRCh37 (hg19) VCF-style: chr5-94818259-G-C.
Other names: short protein forms S1377*.
Identifiers: ClinVar variation 2796770 (VCV002796770.3), dbSNP rs1311056281, ClinGen allele CA360444258.
Genomic context (GRCh38, chr5:95,482,555, plus strand): 5'-GAGTTGGACATGACTGTTTTTTGTAGTTCTTCAAGTACAGCATCTGGGAGTGGCTTTTGT[G>C]ACTCCAGGAGTGGTTTACACTGAACTTGTCTCAAAAGTAAGATAACGGCTGGCTGATCAG-3'